The following is an entry in ClinVar:

Conditions:
Long QT syndrome 5 (LQT5). Identifiers: Orphanet 101016, Orphanet 768, MedGen C1867904, MONDO:0013372, OMIM 613695.

Submission:

Roden Lab, Vanderbilt University Medical Center
No classification provided (evidence only). Condition: Long QT syndrome 5. Review status: no classification provided. Collection method: in vitro. Allele origin: not applicable. Functional consequence: Effect on ion channel function.
ClinVar note: "not provided" was previously submitted as the classification for the variant. However, the classification appeared to be based only on an observation of functional data so it was converted to no classification on 2025-07-30.

NM_000219.6(KCNE1):c.50G>T (p.Trp17Leu)

Gene: KCNE1 (potassium voltage-gated channel subfamily E regulatory subunit 1; minus strand). Cytogenetic location: 21q22.12.
Variant type: single nucleotide variant.
Coding change: c.50G>T on transcript NM_000219.6 (MANE Select); coding-DNA position 50, G replaced by T.
Protein change: p.Trp17Leu; replaces tryptophan 17 with leucine.
Molecular consequence: missense variant.
Genome position (GRCh38, 1-based): chr21:34,449,585, C>A on the plus strand (G>T on the coding strand, the complement: KCNE1 is on the minus strand). VCF-style: chr21-34449585-C-A. GRCh37 (hg19) VCF-style: chr21-35821883-C-A.
Other names: c.50G>T, p.Trp17Leu (NM_001127668.4, NM_001127669.4, NM_001127670.4 and 4 more transcripts); short protein forms W17L.
Identifiers: ClinVar variation 3373909 (VCV003373909.2).